The following is an entry in ClinVar:

NM_019616.4(F7):c.484G>A (p.Gly162Arg)

Gene: F7 (coagulation factor VII; plus strand). Cytogenetic location: 13q34.
Variant type: single nucleotide variant.
Coding change: c.484G>A on transcript NM_019616.4 (MANE Select); coding-DNA position 484, G replaced by A.
Protein change: p.Gly162Arg; replaces glycine 162 with arginine.
Molecular consequence: missense variant. On other transcripts: non-coding transcript variant (1).
Genome position (GRCh38, 1-based): chr13:113,115,779, G>A. VCF-style: chr13-113115779-G-A. GRCh37 (hg19) VCF-style: chr13-113770093-G-A.
Other names: c.550G>A, p.Gly184Arg (NM_000131.5); c.298G>A, p.Gly100Arg (NM_001267554.2); short protein forms G100R, G162R, G184R.
Identifiers: ClinVar variation 3252151 (VCV003252151.4), dbSNP rs372005651.

ClinVar aggregate classification (germline): Uncertain significance. Review status: criteria provided, multiple submitters, no conflicts (2 of 4 stars). 3 submissions from 3 submitters: Uncertain significance (2). 1 of the submissions does not count toward it. Last evaluated 2026-10-06.

Conditions:
F7-related disorder. Also called: F7-related condition.

Allele frequency attached by ClinVar (database versions not stated): TOPMed 0.00005; gnomAD exomes 0.00002; ESP Exome Variant Server 0.00008; gnomAD 0.00006.
gnomAD v4.1: 39 of 1,613,258 alleles (0.0024%); highest among the groups gnomAD compares: Admixed American, 0.02%; no homozygotes.

Submissions (3):

GeneDx
Classification: Uncertain significance. Last evaluated: 2026-10-06. Review status: criteria provided, single submitter. Criteria: GeneDx Variant Classification Process June 2021. Collection method: clinical testing. Allele origin: germline.
Comment: Identified in a patient with factor VII deficiency, however, additional genotype and clinical information was not provided (PMID: 28447100); In silico analysis supports that this missense variant has a deleterious effect on protein structure/function; This variant is associated with the following publications: (PMID: 41288530, 18248411, 28447100)

Women's Health and Genetics/Laboratory Corporation of America, LabCorp
Classification: Uncertain significance. Last evaluated: 2024-06-21. Review status: criteria provided, single submitter. Criteria: LabCorp Variant Classification Summary - May 2015. Collection method: clinical testing. Allele origin: germline.
Comment: Variant summary: F7 c.550G>A (p.Gly184Arg) results in a non-conservative amino acid change located in the EGF-like domain (IPR000742) of the encoded protein sequence. Three of five in-silico tools predict a damaging effect of the variant on protein function. The variant allele was found at a frequency of 2e-05 in 250396 control chromosomes. c.550G>A has been reported in the literature in homozygous or compound heterozygous individuals affected with Congenital factor VII deficiency (Martinez-Carballeira_2024, Giansily_Blaizot_2004). These data indicate that the variant may be associated with disease. To our knowledge, no experimental evidence demonstrating an impact on protein function has been reported. The following publications have been ascertained in the context of this evaluation (PMID: 15194538, 38387429). No submitters have cited clinical-significance assessments for this variant to ClinVar. Based on the evidence outlined above, the variant was classified as VUS-possibly pathogenic.

PreventionGenetics, part of Exact Sciences
Classification: Uncertain significance for F7-related condition. Last evaluated: 2024-08-27. Review status: no assertion criteria provided. Collection method: clinical testing. Allele origin: germline. Not counted in ClinVar's aggregate classification.
Comment: The F7 c.550G>A variant is predicted to result in the amino acid substitution p.Gly184Arg. This variant has been reported with a second variant in F11 in an individual with Factor VII deficiency (Reported as p.Gly124Arg, Quelin et al. 2008. PubMed ID: 18248411). This variant has also been reported in a cohort study with inherited hemostasis disorders (Table S3, Stefanucci et al. 2023. PubMed ID: 37647632). This variant is reported in 0.011% of alleles in individuals of Latino descent in gnomAD. At this time, the clinical significance of this variant is uncertain due to the absence of conclusive functional and genetic evidence.

Literature cited by the submitters: PubMed 15194538 (cited by Women's Health and Genetics/Laboratory Corporation of America, LabCorp); PubMed 38387429 (cited by Women's Health and Genetics/Laboratory Corporation of America, LabCorp).